The following is an entry in ClinVar:

NM_032119.4(ADGRV1):c.15022T>A (p.Ser5008Thr)

Gene: ADGRV1 (adhesion G protein-coupled receptor V1; plus strand). Cytogenetic location: 5q14.3.
Variant type: single nucleotide variant.
Coding change: c.15022T>A on transcript NM_032119.4 (MANE Select); coding-DNA position 15022, T replaced by A.
Protein change: p.Ser5008Thr; replaces serine 5008 with threonine.
Molecular consequence: missense variant. On other transcripts: non-coding transcript variant (1).
Genome position (GRCh38, 1-based): chr5:90,810,282, T>A. VCF-style: chr5-90810282-T-A. GRCh37 (hg19) VCF-style: chr5-90106099-T-A.
Other names: c.15022T>A (NM_032119.3); short protein forms S5008T.
Identifiers: ClinVar variation 1361116 (VCV001361116.6), dbSNP rs1169839152, ClinGen allele CA360407241.

ClinVar aggregate classification (germline): Uncertain significance. Review status: criteria provided, multiple submitters, no conflicts (2 of 4 stars). 2 submissions from 2 submitters: Uncertain significance (2). Last evaluated 2025-03-07.

Conditions:
Inborn genetic diseases. Identifiers: MedGen C0950123, MeSH D030342.

Allele frequency attached by ClinVar (database versions not stated): gnomAD exomes below 0.00001; gnomAD 0.00001.
gnomAD v4.1: 3 of 1,596,812 alleles (0.00019%); highest among the groups gnomAD compares: African/African-American, 0.004%; no homozygotes.

Submissions (2):

Ambry Genetics
Classification: Uncertain significance for Inborn genetic diseases. Last evaluated: 2025-03-07. Review status: criteria provided, single submitter. Criteria: Ambry Variant Classification Scheme 2023. Collection method: clinical testing. Allele origin: germline.

Labcorp Genetics (formerly Invitae), Labcorp
Classification: Uncertain significance. Last evaluated: 2022-07-05. Review status: criteria provided, single submitter. Criteria: Invitae Variant Classification Sherloc (09022015). Collection method: clinical testing. Allele origin: germline.
Comment: This sequence change replaces serine, which is neutral and polar, with threonine, which is neutral and polar, at codon 5008 of the ADGRV1 protein (p.Ser5008Thr). This variant is not present in population databases (gnomAD no frequency). This variant has not been reported in the literature in individuals affected with ADGRV1-related conditions. ClinVar contains an entry for this variant (Variation ID: 1361116). Algorithms developed to predict the effect of missense changes on protein structure and function are either unavailable or do not agree on the potential impact of this missense change (SIFT: "Tolerated"; PolyPhen-2: "Possibly Damaging"; Align-GVGD: "Class C0"). In summary, the available evidence is currently insufficient to determine the role of this variant in disease. Therefore, it has been classified as a Variant of Uncertain Significance.